The following is an entry in ClinVar:

ClinVar aggregate classification (germline): Uncertain significance (1 of 4 stars; one submission).

gnomAD v4.1: 3 of 1,611,814 alleles (0.00019%); highest among the groups gnomAD compares: East Asian, 0.0022%; no homozygotes.

Submission:

Labcorp Genetics (formerly Invitae), Labcorp
Classification: Uncertain significance. Last evaluated: 2025-08-03. Review status: criteria provided, single submitter. Criteria: Invitae Variant Classification Sherloc (09022015). Collection method: clinical testing. Allele origin: germline.
Comment: This sequence change replaces proline, which is neutral and non-polar, with serine, which is neutral and polar, at codon 1139 of the AUTS2 protein (p.Pro1139Ser). This variant is not present in population databases (gnomAD no frequency). This variant has not been reported in the literature in individuals affected with AUTS2-related conditions. ClinVar contains an entry for this variant (Variation ID: 2779156). Invitae Evidence Modeling of protein sequence and biophysical properties (such as structural, functional, and spatial information, amino acid conservation, physicochemical variation, residue mobility, and thermodynamic stability) indicates that this missense variant is not expected to disrupt AUTS2 protein function with a negative predictive value of 80%. In summary, the available evidence is currently insufficient to determine the role of this variant in disease. Therefore, it has been classified as a Variant of Uncertain Significance.

NM_015570.4(AUTS2):c.3415C>T (p.Pro1139Ser)

Gene: AUTS2 (activator of transcription and developmental regulator AUTS2; plus strand). Cytogenetic location: 7q11.22.
Variant type: single nucleotide variant.
Coding change: c.3415C>T on transcript NM_015570.4 (MANE Select); coding-DNA position 3415, C replaced by T.
Protein change: p.Pro1139Ser; replaces proline 1139 with serine.
Molecular consequence: missense variant.
Genome position (GRCh38, 1-based): chr7:70,790,631, C>T. VCF-style: chr7-70790631-C-T. GRCh37 (hg19) VCF-style: chr7-70255617-C-T.
Other names: c.3343C>T, p.Pro1115Ser (NM_001127231.3); short protein forms P1115S, P1139S.
Identifiers: ClinVar variation 2779156 (VCV002779156.3), dbSNP rs375948367, ClinGen allele CA160017200.